The following is an entry in ClinVar:

ClinVar aggregate classification (germline): Likely pathogenic (1 of 4 stars; one submission).

Conditions:
Upshaw-Schulman syndrome (TTP). Also called: THROMBOTIC THROMBOCYTOPENIC PURPURA, HEREDITARY; Congenital thrombotic thrombocytopenic purpura. Identifiers: Orphanet 93583, MedGen C1268935, MONDO:0010122, OMIM 274150.

gnomAD v4.1: 1 of 1,614,118 alleles (0.000062%); highest among the groups gnomAD compares: Non-Finnish European, 0.000085%; no homozygotes.

Submission:

ISTH-SSC Genomics in Thrombosis and Hemostasis, KU Leuven, Center for Molecular and Vascular Biology
Classification: Likely pathogenic for Upshaw-Schulman syndrome. Review status: criteria provided, single submitter. Criteria: ACMG Guidelines, 2015. Collection method: clinical testing. Allele origin: unknown. Affected: yes. Observed: 1 heterozygote, 1 compound heterozygote.
Comment: GoldVariant submitter: Kathleen Freson Center for Molecular and Vascular Biology, Leuven, Belgium

Literature cited by the submitters: PubMed 34355501.

NM_139027.6(ADAMTS13):c.84G>A (p.Trp28Ter)

Gene: ADAMTS13 (ADAM metallopeptidase with thrombospondin type 1 motif 13; plus strand). Cytogenetic location: 9q34.2.
Variant type: single nucleotide variant.
Coding change: c.84G>A on transcript NM_139027.6 (MANE Select); coding-DNA position 84, G replaced by A.
Protein change: p.Trp28Ter; replaces tryptophan 28 with a stop codon.
Molecular consequence: nonsense.
Genome position (GRCh38, 1-based): chr9:133,422,527, G>A. VCF-style: chr9-133422527-G-A. GRCh37 (hg19) VCF-style: chr9-136287647-G-A.
Other names: c.84G>A, p.Trp28Ter (NM_139025.5, NM_139026.6); short protein forms W28*.
Identifiers: ClinVar variation 1677266 (VCV001677266.1), dbSNP rs2130769073, ClinGen allele CA375706775.